The following is an entry in ClinVar:

NM_000038.6(APC):c.8428A>G (p.Asn2810Asp)

Gene: APC (APC regulator of Wnt signaling pathway; plus strand). Cytogenetic location: 5q22.2.
Variant type: single nucleotide variant.
Coding change: c.8428A>G on transcript NM_000038.6 (MANE Select); coding-DNA position 8428, A replaced by G.
Protein change: p.Asn2810Asp; replaces asparagine 2810 with aspartic acid.
Molecular consequence: missense variant.
Genome position (GRCh38, 1-based): chr5:112,844,022, A>G. VCF-style: chr5-112844022-A-G. GRCh37 (hg19) VCF-style: chr5-112179719-A-G.
Other names: c.8428A>G, p.Asn2810Asp (NM_001127510.3, NM_001354895.2); c.8374A>G, p.Asn2792Asp (NM_001127511.3); c.8482A>G, p.Asn2828Asp (NM_001354896.2); c.8458A>G, p.Asn2820Asp (NM_001354897.2); c.8353A>G, p.Asn2785Asp (NM_001354898.2); c.8344A>G, p.Asn2782Asp (NM_001354899.2); c.8305A>G, p.Asn2769Asp (NM_001354900.2); c.8251A>G, p.Asn2751Asp (NM_001354901.2); and 5 more; short protein forms N2527D, N2650D, N2684D, N2709D, N2719D, N2751D, N2769D, N2782D.
Identifiers: ClinVar variation 1332464 (VCV001332464.6), dbSNP rs2150005179, ClinGen allele CA16039615.
Genomic context (GRCh38, chr5:112,844,022, plus strand): 5'-CCTAGGAAAAGCAGCGCAGATAGCACTTCAGCTCGGCCATCTCAGATCCCAACTCCAGTG[A>G]ATAACAACACAAAGAAGCGAGATTCCAAAACTGACAGCACAGAATCCAGTGGAACCCAAA-3'
Protein context (NP_000029.2, residues 2800-2820): ARPSQIPTPV[Asn2810Asp]NNTKKRDSKT

ClinVar aggregate classification (germline): Uncertain significance. Review status: criteria provided, multiple submitters, no conflicts (2 of 4 stars). 3 submissions from 3 submitters: Uncertain significance (3). Last evaluated 2024-06-11.

Conditions:
Classic or attenuated familial adenomatous polyposis. Identifiers: MedGen CN372698, MONDO:0021057.
Hereditary cancer-predisposing syndrome. Also called: Tumor predisposition; Hereditary Cancer Syndrome; Neoplastic Syndromes, Hereditary; Hereditary neoplastic syndrome. Identifiers: Orphanet 140162, MedGen C0027672, MeSH D009386, MONDO:0015356.

Submissions (3):

All of Us Research Program, National Institutes of Health
Classification: Uncertain significance for Classic or attenuated familial adenomatous polyposis. Last evaluated: 2024-06-11. Review status: criteria provided, single submitter. Criteria: ACMG Guidelines, 2015. Collection method: clinical testing. Allele origin: germline. Inheritance: Autosomal dominant inheritance. Observed: 1 variant allele, 1 heterozygote.
Comment: This missense variant replaces asparagine with aspartic acid at codon 2810 of the APC protein. Computational prediction suggests that this variant may not impact protein structure and function (internally defined REVEL score threshold <= 0.5, PMID: 27666373). To our knowledge, functional studies have not been reported for this variant. This variant has not been reported in individuals affected with hereditary cancer in the literature. This variant has not been identified in the general population by the Genome Aggregation Database (gnomAD). The available evidence is insufficient to determine the role of this variant in disease conclusively. Therefore, this variant is classified as a Variant of Uncertain Significance.

This study involves interpretation of variants in research participants for the purpose of population health screening. Participant phenotype was not available at the time of variant classification. Additional details can be found in publication PMID: 35346344, PMCID: PMC8962531

Color Diagnostics, LLC DBA Color Health
Classification: Uncertain significance for Hereditary cancer-predisposing syndrome. Last evaluated: 2024-03-07. Review status: criteria provided, single submitter. Criteria: ACMG Guidelines, 2015. Collection method: clinical testing. Allele origin: germline.
Comment: This missense variant replaces asparagine with aspartic acid at codon 2810 of the APC protein. Computational prediction suggests that this variant may not impact protein structure and function (internally defined REVEL score threshold <= 0.5, PMID: 27666373). To our knowledge, functional studies have not been reported for this variant. This variant has not been reported in individuals affected with hereditary cancer in the literature. This variant has not been identified in the general population by the Genome Aggregation Database (gnomAD). The available evidence is insufficient to determine the role of this variant in disease conclusively. Therefore, this variant is classified as a Variant of Uncertain Significance.

Ambry Genetics
Classification: Uncertain significance for Hereditary cancer-predisposing syndrome. Last evaluated: 2022-12-10. Review status: criteria provided, single submitter. Criteria: Ambry Variant Classification Scheme 2023. Collection method: clinical testing. Allele origin: germline.
Comment: The p.N2810D variant (also known as c.8428A>G), located in coding exon 15 of the APC gene, results from an A to G substitution at nucleotide position 8428. The asparagine at codon 2810 is replaced by aspartic acid, an amino acid with highly similar properties. This amino acid position is conserved. In addition, in silico predictors for this gene do not accurately predict pathogenicity. Since supporting evidence is limited at this time, the clinical significance of this alteration remains unclear.